The following is an entry in ClinVar:

ClinVar aggregate classification (germline): Uncertain significance. Review status: criteria provided, multiple submitters, no conflicts (2 of 4 stars). 2 submissions from 2 submitters: Uncertain significance (2). Last evaluated 2026-03-15.

Conditions:
Inborn genetic diseases. Identifiers: MedGen C0950123, MeSH D030342.
Acute myeloid leukemia (AML). Also called: Acute myeloid leukemia, adult; AML adult; Acute non-lymphocytic leukemia; Acute granulocytic leukemia; Leukemia, acute myelogenous, somatic; Leukemia, acute myeloid, somatic. Identifiers: Orphanet 519, MedGen C0023467, MeSH D015470, MONDO:0018874, OMIM 601626, HP:0004808. Disease mechanism: Constitutively activated FLT3.

Submissions (2):

Ambry Genetics
Classification: Uncertain significance for Inborn genetic diseases. Last evaluated: 2026-03-15. Review status: criteria provided, single submitter. Criteria: Ambry Variant Classification Scheme 2023. Collection method: clinical testing. Allele origin: germline.
Comment: The p.G53S variant (also known as c.157G>A), located in coding exon 1 of the CEBPA gene, results from a G to A substitution at nucleotide position 157. The glycine at codon 53 is replaced by serine, an amino acid with similar properties. This amino acid position is conserved. In addition, this alteration is predicted to be tolerated by in silico analysis. Based on the available evidence, the clinical significance of this variant remains unclear.

Labcorp Genetics (formerly Invitae), Labcorp
Classification: Uncertain significance for Acute myeloid leukemia. Last evaluated: 2022-03-04. Review status: criteria provided, single submitter. Criteria: Invitae Variant Classification Sherloc (09022015). Collection method: clinical testing. Allele origin: germline.
Comment: This sequence change replaces glycine, which is neutral and non-polar, with serine, which is neutral and polar, at codon 53 of the CEBPA protein (p.Gly53Ser). This variant is not present in population databases (gnomAD no frequency). This variant has not been reported in the literature in individuals affected with CEBPA-related conditions. ClinVar contains an entry for this variant (Variation ID: 1010483). Algorithms developed to predict the effect of missense changes on protein structure and function (SIFT, PolyPhen-2, Align-GVGD) all suggest that this variant is likely to be tolerated. In summary, the available evidence is currently insufficient to determine the role of this variant in disease. Therefore, it has been classified as a Variant of Uncertain Significance.

NM_004364.5(CEBPA):c.157G>A (p.Gly53Ser)

Gene: CEBPA (CCAAT enhancer binding protein alpha; minus strand). Cytogenetic location: 19q13.11.
Variant type: single nucleotide variant.
Coding change: c.157G>A on transcript NM_004364.5 (MANE Select); coding-DNA position 157, G replaced by A.
Protein change: p.Gly53Ser; replaces glycine 53 with serine.
Molecular consequence: missense variant. On other transcripts: 5 prime UTR variant (1).
Genome position (GRCh38, 1-based): chr19:33,302,258, C>T on the plus strand (G>A on the coding strand, the complement: CEBPA is on the minus strand). VCF-style: chr19-33302258-C-T. GRCh37 (hg19) VCF-style: chr19-33793164-C-T.
Other names: c.-201G>A (NM_001285829.2); c.262G>A, p.Gly88Ser (NM_001287424.2); c.115G>A, p.Gly39Ser (NM_001287435.2); c.157G>A (NM_004364.3); short protein forms G39S, G53S, G88S.
Identifiers: ClinVar variation 1010483 (VCV001010483.12), dbSNP rs1967196253, ClinGen allele CA405275563.